The following is an entry in ClinVar:

NM_201384.3(PLEC):c.1270C>T (p.Arg424Trp)

Gene: PLEC (plectin; minus strand). Cytogenetic location: 8q24.3.
Variant type: single nucleotide variant.
Coding change: c.1270C>T on transcript NM_201384.3 (MANE Select); coding-DNA position 1270, C replaced by T.
Protein change: p.Arg424Trp; replaces arginine 424 with tryptophan.
Molecular consequence: missense variant.
Genome position (GRCh38, 1-based): chr8:143,933,345, G>A on the plus strand (C>T on the coding strand, the complement: PLEC is on the minus strand). VCF-style: chr8-143933345-G-A. GRCh37 (hg19) VCF-style: chr8-145007513-G-A.
Other names: c.1351C>T, p.Arg451Trp (NM_000445.5); c.1228C>T, p.Arg410Trp (NM_201378.4); c.1204C>T, p.Arg402Trp (NM_201379.3); c.1681C>T, p.Arg561Trp (NM_201380.4); c.1174C>T, p.Arg392Trp (NM_201381.3); c.1270C>T, p.Arg424Trp (NM_201382.4); c.1282C>T, p.Arg428Trp (NM_201383.3); short protein forms R410W, R402W, R424W, R428W, R451W, R392W, R561W.
Identifiers: ClinVar variation 538986 (VCV000538986.9), dbSNP rs782134950, ClinGen allele CA4928031.

ClinVar aggregate classification (germline): Uncertain significance. Review status: criteria provided, multiple submitters, no conflicts (2 of 4 stars). 2 submissions from 2 submitters: Uncertain significance (2). Last evaluated 2024-03-08.

Conditions:
Epidermolysis bullosa simplex with nail dystrophy (EBS5D). Identifiers: MedGen C4225309, MONDO:0014661, OMIM 616487.
Epidermolysis bullosa simplex 5B, with muscular dystrophy (EBS5B). Also called: EPIDERMOLYSIS BULLOSA SIMPLEX AND LIMB-GIRDLE MUSCULAR DYSTROPHY; Epidermolysis bullosa simplex with muscular dystrophy. Identifiers: Orphanet 257, MedGen C2931072, MONDO:0009181, OMIM 226670.
Epidermolysis bullosa simplex, Ogna type (EBS5A). Also called: Pidermolysis bullosa simplex 5A, Ogna type; EPIDERMOLYSIS BULLOSA SIMPLEX 5A, OGNA TYPE. Identifiers: Orphanet 79401, MedGen C0432317, MONDO:0007555, OMIM 131950.
Autosomal recessive limb-girdle muscular dystrophy type 2Q (LGMDR17). Also called: MUSCULAR DYSTROPHY, LIMB-GIRDLE, AUTOSOMAL RECESSIVE 17. Identifiers: Orphanet 254361, MedGen C3150989, MONDO:0013390, OMIM 613723.
Epidermolysis bullosa simplex 5C, with pyloric atresia (EBS5C). Also called: PLEC-Related Epidermolysis Bullosa with Pyloric Atresia; Epidermolysis bullosa simplex with pyloric atresia; PLEC1-Related Epidermolysis Bullosa with Pyloric Atresia. Identifiers: Orphanet 158684, MedGen C2677349, MONDO:0012807, OMIM 612138.

Allele frequency attached by ClinVar (database versions not stated): gnomAD 0.00002 and 0.00003; gnomAD exomes 0.00002; TOPMed 0.00002; ExAC 0.00003.

Submissions (2):

Labcorp Genetics (formerly Invitae), Labcorp
Classification: Uncertain significance for Autosomal recessive limb-girdle muscular dystrophy type 2Q; Epidermolysis bullosa simplex, Ogna type; Epidermolysis bullosa simplex with nail dystrophy; Epidermolysis bullosa simplex 5C, with pyloric atresia; Epidermolysis bullosa simplex 5B, with muscular dystrophy. Last evaluated: 2024-03-08. Review status: criteria provided, single submitter. Criteria: Invitae Variant Classification Sherloc (09022015). Collection method: clinical testing. Allele origin: germline.
Comment: This sequence change replaces arginine, which is basic and polar, with tryptophan, which is neutral and slightly polar, at codon 451 of the PLEC protein (p.Arg451Trp). This variant is present in population databases (rs782134950, gnomAD 0.006%). This variant has not been reported in the literature in individuals affected with PLEC-related conditions. ClinVar contains an entry for this variant (Variation ID: 538986). Experimental studies and prediction algorithms are not available or were not evaluated, and the functional significance of this variant is currently unknown. In summary, the available evidence is currently insufficient to determine the role of this variant in disease. Therefore, it has been classified as a Variant of Uncertain Significance.

Revvity Omics, Revvity
Classification: Uncertain significance. Last evaluated: 2021-12-15. Review status: criteria provided, single submitter. Criteria: ACMG Guidelines, 2015. Collection method: clinical testing. Allele origin: germline.